The following is an entry in ClinVar:

ClinVar aggregate classification (germline): Uncertain significance (1 of 4 stars; one submission).

gnomAD v4.1: 13 of 1,612,886 alleles (0.00081%); highest among the groups gnomAD compares: Non-Finnish European, 0.0011%; no homozygotes.

Submission:

Women's Health and Genetics/Laboratory Corporation of America, LabCorp
Classification: Uncertain significance. Last evaluated: 2026-02-17. Review status: criteria provided, single submitter. Criteria: LabCorp Variant Classification Summary - May 2015. Collection method: clinical testing. Allele origin: germline.
Comment: Variant summary: MTTP c.*19T>A is located in the untranslated mRNA region downstream of the termination codon. The variant allele was found at a frequency of 4e-06 in 251458 control chromosomes. The available data on variant occurrences in the general population are insufficient to allow any conclusion about variant significance. To our knowledge, no occurrence of c.*19T>A in individuals affected with MTTP-related conditions and no experimental evidence demonstrating its impact on protein function have been reported. No submitters have cited clinical-significance assessments for this variant to ClinVar. Based on the evidence outlined above, the variant was classified as uncertain significance.

NM_001386140.1(MTTP):c.*19T>A

Gene: MTTP (microsomal triglyceride transfer protein; plus strand). Cytogenetic location: 4q23.
Variant type: single nucleotide variant.
Coding change: c.*19T>A on transcript NM_001386140.1 (MANE Select); 19 bases downstream of the stop codon, T replaced by A.
Molecular consequence: 3 prime UTR variant.
Genome position (GRCh38, 1-based): chr4:99,622,867, T>A. VCF-style: chr4-99622867-T-A. GRCh37 (hg19) VCF-style: chr4-100544024-T-A.
Other names: c.*19T>A (NM_000253.4, NM_001300785.2).
Identifiers: ClinVar variation 4848271 (VCV004848271.1).